The following is an entry in ClinVar:

ClinVar aggregate classification (germline): Likely benign. Review status: criteria provided, multiple submitters, no conflicts (2 of 4 stars). 3 submissions from 3 submitters: Likely benign (2). 1 of the submissions does not count toward it. Last evaluated 2025-07-09.

Conditions:
COG4-related disorder. Also called: COG4-related condition.
COG4-congenital disorder of glycosylation. Also called: CONGENITAL DISORDER OF GLYCOSYLATION, TYPE IIj; CDG IIj; COG4-CDG. Identifiers: Orphanet 263501, MedGen C4303552, MONDO:0013281, OMIM 613489.

Allele frequency attached by ClinVar (database versions not stated): gnomAD exomes 0.00002; gnomAD 0.00003; ExAC 0.00005; TOPMed 0.00006; 1000 Genomes Project 0.00020; 1000 Genomes Project 30x 0.00031.
gnomAD v4.1: 39 of 1,612,200 alleles (0.0024%); highest among the groups gnomAD compares: Admixed American, 0.037%; no homozygotes.

Submissions (3):

Labcorp Genetics (formerly Invitae), Labcorp
Classification: Likely benign for COG4-congenital disorder of glycosylation. Last evaluated: 2025-07-09. Review status: criteria provided, single submitter. Criteria: Invitae Variant Classification Sherloc (09022015). Collection method: clinical testing. Allele origin: germline.

Blueprint Genetics
Classification: Likely benign. Last evaluated: 2023-06-13. Review status: criteria provided, single submitter. Criteria: ACMG Guidelines, 2015. Collection method: clinical testing. Allele origin: germline.

PreventionGenetics, part of Exact Sciences
Classification: Likely benign for COG4-related condition. Last evaluated: 2019-09-24. Review status: no assertion criteria provided. Collection method: clinical testing. Allele origin: germline. Not counted in ClinVar's aggregate classification.
Comment: This variant is classified as likely benign based on ACMG/AMP sequence variant interpretation guidelines (Richards et al. 2015 PMID: 25741868, with internal and published modifications).

NM_015386.3(COG4):c.1722C>G (p.Thr574=)

Gene: COG4 (component of oligomeric golgi complex 4; minus strand). Cytogenetic location: 16q22.1.
Variant type: single nucleotide variant.
Coding change: c.1722C>G on transcript NM_015386.3 (MANE Select); coding-DNA position 1722, C replaced by G.
Protein change: p.Thr574=; no amino-acid change (threonine 574 retained).
Molecular consequence: synonymous variant. On other transcripts: non-coding transcript variant (1).
Genome position (GRCh38, 1-based): chr16:70,483,958, G>C on the plus strand (C>G on the coding strand, the complement: COG4 is on the minus strand). VCF-style: chr16-70483958-G-C. GRCh37 (hg19) VCF-style: chr16-70517861-G-C.
Other names: c.1647C>G, p.Thr549= (NM_001195139.2); c.1296C>G, p.Thr432= (NM_001365426.1).
Identifiers: ClinVar variation 3039859 (VCV003039859.4), dbSNP rs540302874, ClinGen allele CA8144209.